The following is an entry in ClinVar:

NM_005883.3(APC2):c.1639-8T>A

Gene: APC2 (APC regulator of WNT signaling pathway 2; plus strand). Cytogenetic location: 19p13.3.
Variant type: single nucleotide variant.
Coding change: c.1639-8T>A on transcript NM_005883.3 (MANE Select); 8 bases into the intron before coding-DNA position 1639, T replaced by A.
Molecular consequence: intron variant.
Genome position (GRCh38, 1-based): chr19:1,461,955, T>A. VCF-style: chr19-1461955-T-A. GRCh37 (hg19) VCF-style: chr19-1461954-T-A.
Other names: c.1636-8T>A (NM_001351273.1).
Identifiers: ClinVar variation 2139155 (VCV002139155.1), dbSNP rs1368893363, ClinGen allele CA2576549905.
Genomic context (GRCh38, chr19:1,461,955, plus strand): 5'-GTGAGCGTGGGAGCCTTTCCTCCGGGCCACTCAGGCCCTGACCCGCCCCTCTCCCGCCCC[T>A]CGTCCAGGAGTCCACCCTGAAGAGCGTGCTGAGCGCCCTGTGGAATCTGTCTGCACACAG-3'

ClinVar aggregate classification (germline): Uncertain significance (1 of 4 stars; one submission).

Submission:

Labcorp Genetics (formerly Invitae), Labcorp
Classification: Uncertain significance. Last evaluated: 2020-12-18. Review status: criteria provided, single submitter. Criteria: Invitae Variant Classification Sherloc (09022015). Collection method: clinical testing. Allele origin: germline.
Comment: This sequence change falls in intron 13 of the APC2 gene. It does not directly change the encoded amino acid sequence of the APC2 protein. This variant is not present in population databases (ExAC no frequency). This variant has not been reported in the literature in individuals with APC2-related disease. Algorithms developed to predict the effect of sequence changes on RNA splicing suggest that this variant may disrupt the consensus splice site, but this prediction has not been confirmed by published transcriptional studies. In summary, the available evidence is currently insufficient to determine the role of this variant in disease. Therefore, it has been classified as a Variant of Uncertain Significance.